The following is an entry in ClinVar:

ClinVar aggregate classification (germline): Likely benign (1 of 4 stars; one submission).

gnomAD v4.1: 1 of 1,612,844 alleles (0.000062%); highest among the groups gnomAD compares: Non-Finnish European, 0.000085%; no homozygotes.

Submission:

CeGaT Center for Human Genetics Tuebingen
Classification: Likely benign. Last evaluated: 2024-06-01. Review status: criteria provided, single submitter. Criteria: CeGaT Center For Human Genetics Tuebingen Variant Classification Criteria Version 2. Collection method: clinical testing. Allele origin: germline. Affected: yes. Observed: 1 variant allele.
Comment: RIC1: PM2:Supporting, BP4, BP7

NM_020829.4(RIC1):c.570G>T (p.Leu190=)

Gene: RIC1 (RIC1 partner of RAB6A GEF complex; plus strand). Cytogenetic location: 9p24.1.
Variant type: single nucleotide variant.
Coding change: c.570G>T on transcript NM_020829.4 (MANE Select); coding-DNA position 570, G replaced by T.
Protein change: p.Leu190=; no amino-acid change (leucine 190 retained).
Molecular consequence: synonymous variant.
Genome position (GRCh38, 1-based): chr9:5,720,311, G>T. VCF-style: chr9-5720311-G-T. GRCh37 (hg19) VCF-style: chr9-5720311-G-T.
Other names: c.570G>T, p.Leu190= (NM_001135920.4, NM_001206557.2).
Identifiers: ClinVar variation 3250880 (VCV003250880.18), dbSNP rs2537450684.